The following is an entry in ClinVar:

NM_001277115.2(DNAH11):c.5192A>T (p.Glu1731Val)

Gene: DNAH11 (dynein axonemal heavy chain 11; plus strand). Cytogenetic location: 7p15.3.
Variant type: single nucleotide variant.
Coding change: c.5192A>T on transcript NM_001277115.2 (MANE Select); coding-DNA position 5192, A replaced by T.
Protein change: p.Glu1731Val; replaces glutamic acid 1731 with valine.
Molecular consequence: missense variant.
Genome position (GRCh38, 1-based): chr7:21,658,895, A>T. VCF-style: chr7-21658895-A-T. GRCh37 (hg19) VCF-style: chr7-21698513-A-T.
Other names: NM_001277115.2:c.5192A>T; c.5207A>T, p.Glu1736Val (NM_003777.3); short protein forms E1731V, E1736V.
Identifiers: ClinVar variation 2964922 (VCV002964922.5), dbSNP rs1401504319, ClinGen allele CA366939760.

ClinVar aggregate classification (germline): Conflicting classifications of pathogenicity. Review status: criteria provided, conflicting classifications (1 of 4 stars). 3 submissions from 3 submitters: Uncertain significance (2); Likely benign (1). Last evaluated 2025-05-28.

Conditions:
Primary ciliary dyskinesia 7. Also called: CILIARY DYSKINESIA, PRIMARY, 7, WITH OR WITHOUT SITUS INVERSUS. Identifiers: Orphanet 244, MedGen C2678473, MONDO:0012748, OMIM 611884.
Primary ciliary dyskinesia. Also called: Ciliary dyskinesia. Identifiers: Orphanet 244, MedGen C0008780, MONDO:0016575, HP:0012265.

Allele frequency attached by ClinVar (database versions not stated): gnomAD exomes below 0.00001.
gnomAD v4.1: 4 of 1,610,024 alleles (0.00025%); highest among the groups gnomAD compares: East Asian, 0.0067%; no homozygotes.

Submissions (3):

Women's Health and Genetics/Laboratory Corporation of America, LabCorp
Classification: Uncertain significance. Last evaluated: 2025-05-28. Review status: criteria provided, single submitter. Criteria: LabCorp Variant Classification Summary - May 2015. Collection method: clinical testing. Allele origin: germline.
Comment: Variant summary: DNAH11 c.5192A>T (p.Glu1731Val) results in a non-conservative amino acid change in the encoded protein sequence. Algorithms developed to predict the effect of missense changes on protein structure and function are either unavailable or do not agree on the potential impact of this missense change. The variant allele was found at a frequency of 4.1e-06 in 242422 control chromosomes. The available data on variant occurrences in the general population are insufficient to allow any conclusion about variant significance. c.5192A>T has been observed in at least one individual affected with Primary Ciliary Dyskinesia (e.g., Wang_2021, Wang_2018). This report does not provide unequivocal conclusions about association of the variant with Primary Ciliary Dyskinesia 7. To our knowledge, no experimental evidence demonstrating an impact on protein function has been reported. The following publications have been ascertained in the context of this evaluation (PMID: 34391405, 29429202). ClinVar contains an entry for this variant (Variation ID: 2964922). Based on the evidence outlined above, the variant was classified as uncertain significance.

Broad Center for Mendelian Genomics, Broad Institute of MIT and Harvard
Classification: Uncertain significance for Primary ciliary dyskinesia 7. Last evaluated: 2025-02-12. Review status: criteria provided, single submitter. Criteria: ACMG Guidelines, 2015. Collection method: curation. Allele origin: germline. Inheritance: Autosomal recessive inheritance.
Comment: The p.Glu1731Val variant in DNAH11 has been reported in at least 1 individual with primary ciliary dyskinesia (PMID: 29429202), and has been identified in 0.006% (3/44652) of East Asian chromosomes by the Genome Aggregation Database (gnomAD; dbSNP rs1401504319). Although this variant has been seen in the general population in a heterozygous state, its frequency is low enough to be consistent with a recessive carrier frequency. Computational prediction tools and conservation analyses do not provide strong support for or against an impact to the protein. In summary, the clinical significance of the p.Glu1731Val variant is uncertain. ACMG/AMP Criteria applied: PM2_supporting (Richards 2015).

Labcorp Genetics (formerly Invitae), Labcorp
Classification: Likely benign for Primary ciliary dyskinesia. Last evaluated: 2023-11-21. Review status: criteria provided, single submitter. Criteria: Invitae Variant Classification Sherloc (09022015). Collection method: clinical testing. Allele origin: germline.

Literature cited by the submitters: PubMed 34391405 (cited by Women's Health and Genetics/Laboratory Corporation of America, LabCorp); PubMed 29429202 (cited by Women's Health and Genetics/Laboratory Corporation of America, LabCorp).